The following is an entry in ClinVar:

ClinVar aggregate classification (germline): Uncertain significance (1 of 4 stars; one submission).

Submission:

Women's Health and Genetics/Laboratory Corporation of America, LabCorp
Classification: Uncertain significance. Last evaluated: 2023-04-18. Review status: criteria provided, single submitter. Criteria: LabCorp Variant Classification Summary - May 2015. Collection method: clinical testing. Allele origin: germline.
Comment: Variant summary: FAM38B c.3174G>C (p.Arg1058Ser) results in a non-conservative amino acid change in the encoded protein sequence. Four of five in-silico tools predict a damaging effect of the variant on protein function. Several computational tools predict a significant impact on normal splicing: Four predict the variant abolishes a canonical 5' splicing donor site. However, these predictions have yet to be confirmed by functional studies. The variant was absent in 144220 control chromosomes (gnomAD). The available data on variant occurrences in the general population are insufficient to allow any conclusion about variant significance. To our knowledge, no occurrence of c.3174G>C in individuals affected with FAM38B-Related Disorders and no experimental evidence demonstrating its impact on protein function have been reported. No clinical diagnostic laboratories have submitted clinical-significance assessments for this variant to ClinVar after 2014. Based on the evidence outlined above, the variant was classified as uncertain significance.

NM_001378183.1(PIEZO2):c.3249G>C (p.Arg1083Ser)

Gene: PIEZO2 (piezo type mechanosensitive ion channel component 2; minus strand). Cytogenetic location: 18p11.22.
Variant type: single nucleotide variant.
Coding change: c.3249G>C on transcript NM_001378183.1 (MANE Select); coding-DNA position 3249, G replaced by C.
Protein change: p.Arg1083Ser; replaces arginine 1083 with serine.
Molecular consequence: missense variant.
Genome position (GRCh38, 1-based): chr18:10,762,500, C>G on the plus strand (G>C on the coding strand, the complement: PIEZO2 is on the minus strand). VCF-style: chr18-10762500-C-G. GRCh37 (hg19) VCF-style: chr18-10762498-C-G.
Other names: c.3249G>C, p.Arg1083Ser (NM_001410871.1); c.3174G>C, p.Arg1058Ser (NM_022068.4); c.3174G>C (NM_022068.3); short protein forms R1058S, R1083S.
Identifiers: ClinVar variation 2503821 (VCV002503821.1), dbSNP rs2510661330, ClinGen allele CA401923500.